The following is an entry in ClinVar:

ClinVar aggregate classification (germline): Uncertain significance. Review status: reviewed by expert panel (3 of 4 stars). 7 submissions from 7 submitters: Uncertain significance (1). 6 of the submissions do not count toward it. Last evaluated 2023-11-14.

Conditions:
Severe combined immunodeficiency, autosomal recessive, T cell-negative, B cell-negative, NK cell-negative, due to adenosine deaminase deficiency. Also called: ADA-SCID; Adenosine Deaminase Deficiency; SCID DUE TO ADA DEFICIENCY; SCID DUE TO ADA DEFICIENCY, EARLY-ONSET; ADA deficiency; Adenosine deaminase deficient severe combined immunodeficiency. Identifiers: Orphanet 277, MedGen C0392607, MONDO:0007064, OMIM 102700.
Partial adenosine deaminase deficiency. Also called: PARTIAL ADA DEFICIENCY. Identifiers: MedGen C1863239.

Allele frequency attached by ClinVar (database versions not stated): TOPMed 0.00005; gnomAD 0.00006 and 0.00007.

Submissions (7):

ClinGen Severe Combined Immunodeficiency Variant Curation Expert Panel, ClinGen
Classification: Uncertain significance for Severe combined immunodeficiency, autosomal recessive, T cell-negative, B cell-negative, NK cell-negative, due to adenosine deaminase deficiency. Last evaluated: 2023-11-14. Review status: reviewed by expert panel. Criteria: ClinGen SCID ACMG Specifications ADA V1.0.0. Collection method: curation. Allele origin: germline. Inheritance: Autosomal recessive inheritance.
Comment: The NM_000022.4(ADA):c.446G>A (p.Arg149Gln) variant in ADA is a missense variant predicted to cause substitution of Arginine by Glutamine at amino acid 149 (p.Arg149Gln). The filtering allele frequency based on the European (non-Finnish) population (upper bound of 95% CI of 2/107374 observed alleles) is 0.000003610 on gnomAD v2.1.1, which is lower than the ClinGen SCID VCEP threshold (<0.0001742). However, we can not use this evidence because it has a filter warning (RF). Expressed ADA activity in Escherichia coli strain SO3834 (ADA-deleted) showed 13.0 +- 13.1% of Wild Type ADA activity, belonging to group IV (range: 4.8–28.2). These results indicate that this variant does not impact the protein function (PMID: 9758612, BS3_moderate). At least one additional missense variant was observed as LP according to SCID VCEP specifications version (PM5_supporting). Due to conflicting evidence, this variant is classified as a variant of uncertain significance for SCID based on the ACMG/AMP criteria applied, as specified by the ClinGen SCID VCEP: BS3_Supporting, and PM5_Suppoting. (VCEP specifications version 1).

Labcorp Genetics (formerly Invitae), Labcorp
Classification: Uncertain significance for Severe combined immunodeficiency, autosomal recessive, T cell-negative, B cell-negative, NK cell-negative, due to adenosine deaminase deficiency. Last evaluated: 2025-09-10. Review status: criteria provided, single submitter. Criteria: Invitae Variant Classification Sherloc (09022015). Collection method: clinical testing. Allele origin: germline. Not counted in ClinVar's aggregate classification.
Comment: This sequence change replaces arginine, which is basic and polar, with glutamine, which is neutral and polar, at codon 149 of the ADA protein (p.Arg149Gln). The frequency data for this variant in the population databases is considered unreliable, as metrics indicate poor data quality at this position in the gnomAD database. This missense change has been observed in individual(s) with partial ADA deficiency (PMID: 2166947). ClinVar contains an entry for this variant (Variation ID: 1963). Invitae Evidence Modeling of protein sequence and biophysical properties (such as structural, functional, and spatial information, amino acid conservation, physicochemical variation, residue mobility, and thermodynamic stability) indicates that this missense variant is not expected to disrupt ADA protein function with a negative predictive value of 80%. Experimental studies have shown that this missense change affects ADA function (PMID: 9758612, 11067872). This variant disrupts the p.Arg149 amino acid residue in ADA. Other variant(s) that disrupt this residue have been observed in individuals with ADA-related conditions (PMID: 10200056), which suggests that this may be a clinically significant amino acid residue. In summary, the available evidence is currently insufficient to determine the role of this variant in disease. Therefore, it has been classified as a Variant of Uncertain Significance.

Mayo Clinic Laboratories, Mayo Clinic
Classification: Uncertain significance. Last evaluated: 2025-04-08. Review status: criteria provided, single submitter. Criteria: ACMG Guidelines, 2015. Collection method: clinical testing. Allele origin: germline. Observed: 1 variant allele. Not counted in ClinVar's aggregate classification.
Comment: BS3_supporting, PP3_moderate, PM2_supporting

Women's Health and Genetics/Laboratory Corporation of America, LabCorp
Classification: Uncertain significance. Last evaluated: 2022-10-13. Review status: criteria provided, single submitter. Criteria: LabCorp Variant Classification Summary - May 2015. Collection method: clinical testing. Allele origin: germline. Not counted in ClinVar's aggregate classification.
Comment: Variant summary: ADA c.446G>A (p.Arg149Gln) results in a conservative amino acid change located in the Adenosine deaminase domain (IPR001365) of the encoded protein sequence. Four of five in-silico tools predict a damaging effect of the variant on protein function. The variant allele was found at a frequency of 9.5e-06 in 210646 control chromosomes. c.446G>A has been reported in the literature as a compound heterozygous genotype in at-least one individual affected with partial Adenosine Deaminase deficient Severe Combined Immunodeficiency (example, Hirschhorn_1990). However, this variant, reported under the legacy name p.Arg142Gln has also been reported in compound heterozygosity with a null allele in a reportedly unaffected father of an affected proband who was homozygous for the null allele (example, Santisteban_1995). These data do not allow any conclusion about variant significance. At least two publications report conflicting experimental evidence evaluating an impact on protein function (example, Arredondo-Vega_1998, Santisteban_1995). The in-vitro study reporting ADA activity expressed in an EColi cell line reports approximately 13% of normal activity while the Paternal T-cells from the unaffected compound heterozygous individual mentioned above had 40% of normal activity (Arredondo-Vega_1998). The red blood cells (RBC) taken from this unaffected father demonstrated 18% of normal ADA activity with the authors concluding that the residual activity in nucleated T-cells is sufficient to prevent ADA substrate-induced lymphotoxicity and immune dysfunction. One clinical diagnostic laboratory has submitted clinical-significance assessments for this variant to ClinVar after 2014 and classified the variant as uncertain significance citing overlapping evidence utilized in the context of this evaluation. Based on the evidence outlined above, the variant was classified as VUS-possibly pathogenic for a phenotype of partial-ADA deficiency that is dependent upon the overall genotype associated with this variant.

Counsyl
Classification: Uncertain significance for Severe combined immunodeficiency, autosomal recessive, T cell-negative, B cell-negative, NK cell-negative, due to adenosine deaminase deficiency. Last evaluated: 2017-03-15. Review status: no assertion criteria provided. Collection method: clinical testing. Allele origin: unknown. Not counted in ClinVar's aggregate classification.

OMIM
Classification: Pathogenic for ADENOSINE DEAMINASE DEFICIENCY, PARTIAL. Last evaluated: 1990-08-01. Review status: no assertion criteria provided. Collection method: literature only. Allele origin: germline. Not counted in ClinVar's aggregate classification.

UniProtKB/Swiss-Prot
No classification provided. Condition: Severe combined immunodeficiency due to ADA deficiency. Review status: no classification provided. Collection method: not provided. Allele origin: unknown. Not counted in ClinVar's aggregate classification.

Literature cited by the submitters: PubMed 2166947 (cited by 5 submitters); PubMed 9758612 (cited by 4 submitters); PubMed 11067872 (cited by Labcorp Genetics (formerly Invitae), Labcorp and Counsyl); PubMed 10200056 (cited by 3 submitters); PubMed 14499267 (cited by Mayo Clinic Laboratories, Mayo Clinic and Women's Health and Genetics/Laboratory Corporation of America, LabCorp); PubMed 7554472 (cited by Mayo Clinic Laboratories, Mayo Clinic and Women's Health and Genetics/Laboratory Corporation of America, LabCorp); PubMed 8258146 (cited by Mayo Clinic Laboratories, Mayo Clinic and Women's Health and Genetics/Laboratory Corporation of America, LabCorp); PubMed 9225964 (cited by Mayo Clinic Laboratories, Mayo Clinic and Women's Health and Genetics/Laboratory Corporation of America, LabCorp); PubMed 8589684 (cited by Women's Health and Genetics/Laboratory Corporation of America, LabCorp); PubMed 8433873 (cited by Women's Health and Genetics/Laboratory Corporation of America, LabCorp).

NM_000022.4(ADA):c.446G>A (p.Arg149Gln)

Gene: ADA (adenosine deaminase; minus strand). Cytogenetic location: 20q13.12.
Variant type: single nucleotide variant.
Coding change: c.446G>A on transcript NM_000022.4 (MANE Select); coding-DNA position 446, G replaced by A.
Protein change: p.Arg149Gln; replaces arginine 149 with glutamine.
Molecular consequence: missense variant. On other transcripts: non-coding transcript variant (1), intron variant (1).
Genome position (GRCh38, 1-based): chr20:44,625,601, C>T on the plus strand (G>A on the coding strand, the complement: ADA is on the minus strand). VCF-style: chr20-44625601-C-T. GRCh37 (hg19) VCF-style: chr20-43254242-C-T.
Other names: NM_000022.4(ADA):c.446G>A; c.446G>A, p.Arg149Gln (NM_001322051.2); c.73+855G>A (NM_001322050.2); short protein forms R149Q.
Identifiers: ClinVar variation 1963 (VCV000001963.7), dbSNP rs121908737, ClinGen allele CA115281.